The following is an entry in ClinVar:

ClinVar aggregate classification (germline): Pathogenic/Likely pathogenic. Review status: criteria provided, multiple submitters, no conflicts (2 of 4 stars). 2 submissions from 2 submitters: Pathogenic (1); Likely pathogenic (1). Last evaluated 2025-01-23.

Conditions:
Distal myopathy with posterior leg and anterior hand involvement. Also called: WILLIAMS DISTAL MYOPATHY. Identifiers: Orphanet 63273, MedGen C3279722, MONDO:0013550, OMIM 614065.
Myofibrillar myopathy 5. Also called: Filaminopathy (type); FILAMINOPATHY, AUTOSOMAL DOMINANT. Identifiers: Orphanet 171445, MedGen C1836050, MONDO:0012289, OMIM 609524.
Hypertrophic cardiomyopathy 26. Also called: Cardiomyopathy, familial hypertrophic, 26. Identifiers: Orphanet 75249, MedGen C4310749, MONDO:0014883, OMIM 617047.

Submissions (2):

Labcorp Genetics (formerly Invitae), Labcorp
Classification: Pathogenic for Distal myopathy with posterior leg and anterior hand involvement; Myofibrillar myopathy 5; Hypertrophic cardiomyopathy 26. Last evaluated: 2025-01-23. Review status: criteria provided, single submitter. Criteria: Invitae Variant Classification Sherloc (09022015). Collection method: clinical testing. Allele origin: germline.
Comment: This sequence change creates a premature translational stop signal (p.Phe2165Serfs*10) in the FLNC gene. It is expected to result in an absent or disrupted protein product. Loss-of-function variants in FLNC are known to be pathogenic (PMID: 27908349). This variant is not present in population databases (gnomAD no frequency). This variant has not been reported in the literature in individuals affected with FLNC-related conditions. For these reasons, this variant has been classified as Pathogenic.

Fulgent Genetics
Classification: Likely pathogenic for Myofibrillar myopathy 5; Distal myopathy with posterior leg and anterior hand involvement; Hypertrophic cardiomyopathy 26. Last evaluated: 2024-05-08. Review status: criteria provided, single submitter. Criteria: ACMG Guidelines, 2015. Collection method: clinical testing. Allele origin: germline.

Literature cited by the submitters: PubMed 27908349 (cited by Labcorp Genetics (formerly Invitae), Labcorp).

NM_001458.5(FLNC):c.6494del (p.Phe2165fs)

Genes: FLNC-AS1 (FLNC antisense RNA 1; minus strand), FLNC (filamin C; plus strand). Cytogenetic location: 7q32.1.
Variant type: Deletion.
Coding change: c.6494del on transcript NM_001458.5 (MANE Select); coding-DNA position 6494, one base deleted (T; older notation c.6494delT).
Protein change: p.Phe2165fs; shifts the reading frame from phenylalanine 2165.
Molecular consequence: frameshift variant.
Genome position (GRCh38, 1-based): chr7:128,853,983, T deleted; the last of 2 consecutive T bases (chr7:128,853,982-128,853,983); deleting either gives the same sequence. VCF-style (leftmost placement, unchanged base first): chr7-128853981-GT-G. GRCh37 (hg19) VCF-style: chr7-128494035-GT-G.
Other names: c.6395del, p.Phe2132fs (NM_001127487.2); short protein forms F2132fs, F2165fs.
Identifiers: ClinVar variation 3594297 (VCV003594297.3).